The following is an entry in ClinVar:

NM_139058.3(ARX):c.1216G>A (p.Ala406Thr)

Gene: ARX (aristaless related homeobox; minus strand). Cytogenetic location: Xp21.3.
Variant type: single nucleotide variant.
Coding change: c.1216G>A on transcript NM_139058.3 (MANE Select); coding-DNA position 1216, G replaced by A.
Protein change: p.Ala406Thr; replaces alanine 406 with threonine.
Molecular consequence: missense variant.
Genome position (GRCh38, 1-based): chrX:25,007,343, C>T on the plus strand (G>A on the coding strand, the complement: ARX is on the minus strand). VCF-style: chrX-25007343-C-T. GRCh37 (hg19) VCF-style: chrX-25025460-C-T.
Other names: p.A406T:GCC>ACC; short protein forms A406T.
Identifiers: ClinVar variation 156673 (VCV000156673.2), dbSNP rs587783142, ClinGen allele CA294727.
Genomic context (GRCh38, chrX:25,007,343, plus strand): 5'-GCGCCGGGTGGTGCGGAGGGAAGGGGCTGGCGTCCAGGTAGGGGCTGAGCGGGTGGGTGG[C>T]GGAGAGCGGCCCCGGGAAGGGCAGCCCAGGGGGGTGGGTCTGCGCGCCTGCCTTCTCCCG-3'
Protein context (NP_620689.1, residues 396-416): PGLPFPGPLS[Ala406Thr]THPLSPYLDA

ClinVar aggregate classification (germline): Uncertain significance (1 of 4 stars; one submission).

Allele frequency attached by ClinVar (database versions not stated): gnomAD exomes below 0.00001.
gnomAD v4.1: 1 of 1,143,011 alleles (0.000087%); highest among the groups gnomAD compares: Non-Finnish European, 0.00012%; no homozygotes.

Submission:

GeneDx
Classification: Uncertain significance. Last evaluated: 2014-03-27. Review status: criteria provided, single submitter. Criteria: GeneDx Variant Classification (06012015). Collection method: clinical testing. Allele origin: germline. Affected: yes.
Comment: The A406T variant has not been published as a mutation, nor has it been reported as a benign polymorphism to our knowledge. It was not observed in approximately 5,500 individuals of European and African American ancestry in the NHLBI Exome Sequencing Project, indicating it is not a common benign variant in these populations. The A406T variant is a non-conservative amino acid substitution, which is likely to impact secondary protein structure as these residues differ in polarity, charge, size and/or other properties. This substitution occurs at a position that is conserved across species. However, in silico analysis is inconsistent in its predictions as to whether or not the variant is damaging to the protein structure/function. Therefore, based on the currently available information, it is unclear whether this variant is a pathogenic mutation or a rare benign variant The variant is found in EPILEPSY panel(s).